The following is an entry in ClinVar:

NM_007332.3(TRPA1):c.1729A>G (p.Asn577Asp)

Genes: MSC-AS1 (MSC antisense RNA 1; plus strand), TRPA1 (transient receptor potential cation channel subfamily A member 1; minus strand). Cytogenetic location: 8q21.11.
Variant type: single nucleotide variant.
Coding change: c.1729A>G on transcript NM_007332.3 (MANE Select); coding-DNA position 1729, A replaced by G.
Protein change: p.Asn577Asp; replaces asparagine 577 with aspartic acid.
Molecular consequence: missense variant. On other transcripts: non-coding transcript variant (2).
Genome position (GRCh38, 1-based): chr8:72,052,681, T>C on the plus strand (A>G on the coding strand, the complement: TRPA1 is on the minus strand). VCF-style: chr8-72052681-T-C. GRCh37 (hg19) VCF-style: chr8-72964916-T-C.
Other names: short protein forms N577D.
Identifiers: ClinVar variation 3026819 (VCV003026819.22), dbSNP rs2487616870, ClinGen allele CA371479320.
Genomic context (GRCh38, chr8:72,052,681, plus strand): 5'-GAACAACCTCCTTCCTCTTATTGTGAAGTGCAAGGTGCAAAAAGGAGGCCTGCTGCTTGT[T>C]CAGGACTATGTCAGCATTGTGGCTCAGAAGAAGCGCAACGGCTTTGGCGTGGCCTTCCCT-3'
Protein context (NP_015628.2, residues 567-587): LLSHNADIVL[Asn577Asp]KQQASFLHLA

ClinVar aggregate classification (germline): Uncertain significance (1 of 4 stars; one submission).

Submission:

CeGaT Center for Human Genetics Tuebingen
Classification: Uncertain significance. Last evaluated: 2024-01-01. Review status: criteria provided, single submitter. Criteria: CeGaT Center For Human Genetics Tuebingen Variant Classification Criteria Version 2. Collection method: clinical testing. Allele origin: germline. Affected: yes. Observed: 1 variant allele.
Comment: TRPA1: PM2